The following is an entry in ClinVar:

NM_000051.4(ATM):c.4909+9T>G

Gene: ATM (ATM serine/threonine kinase; plus strand). Cytogenetic location: 11q22.3.
Variant type: single nucleotide variant.
Coding change: c.4909+9T>G on transcript NM_000051.4 (MANE Select); 9 bases into the intron after coding-DNA position 4909, T replaced by G.
Molecular consequence: intron variant.
Genome position (GRCh38, 1-based): chr11:108,295,068, T>G. VCF-style: chr11-108295068-T-G. GRCh37 (hg19) VCF-style: chr11-108165795-T-G.
Other names: c.4909+9T>G (NM_001351834.2).
Identifiers: ClinVar variation 453544 (VCV000453544.9), dbSNP rs1555101970, ClinGen allele CA658656215.

ClinVar aggregate classification (germline): Likely benign. Review status: criteria provided, multiple submitters, no conflicts (2 of 4 stars). 2 submissions from 2 submitters: Likely benign (2). Last evaluated 2024-05-21.

Conditions:
Ataxia-telangiectasia syndrome (AT). Also called: Cerebello-oculocutaneous telangiectasia; Immunodeficiency with ataxia telangiectasia; Ataxia-telangiectasia, complementation group D; AT, COMPLEMENTATION GROUP C; Ataxia-telangiectasia, complementation group E; LOUIS-BAR SYNDROME. Identifiers: Orphanet 100, MedGen C0004135, MONDO:0008840, OMIM 208900.
Familial cancer of breast. Also called: Hereditary breast cancer; hereditary breast carcinoma; BREAST CANCER, FAMILIAL. Identifiers: Orphanet 227535, MedGen C0346153, MONDO:0016419, OMIM 114480. Disease mechanism: loss of function.

Submissions (2):

Myriad Genetics, Inc.
Classification: Likely benign for Familial cancer of breast. Last evaluated: 2024-05-21. Review status: criteria provided, single submitter. Criteria: Myriad Autosomal Dominant, Autosomal Recessive and X-Linked Classification Criteria (2023). Collection method: clinical testing. Allele origin: unknown.
Comment: This variant is considered likely benign. This variant is intronic and is not expected to impact mRNA splicing.

Labcorp Genetics (formerly Invitae), Labcorp
Classification: Likely benign for Ataxia-telangiectasia syndrome. Last evaluated: 2017-01-05. Review status: criteria provided, single submitter. Criteria: Invitae Variant Classification Sherloc (09022015). Collection method: clinical testing. Allele origin: germline.